The following is an entry in ClinVar:

NM_001035.3(RYR2):c.9032T>C (p.Leu3011Pro)

Gene: RYR2 (ryanodine receptor 2; plus strand). Cytogenetic location: 1q43.
Variant type: single nucleotide variant.
Coding change: c.9032T>C on transcript NM_001035.3 (MANE Select); coding-DNA position 9032, T replaced by C.
Protein change: p.Leu3011Pro; replaces leucine 3011 with proline.
Molecular consequence: missense variant.
Genome position (GRCh38, 1-based): chr1:237,687,469, T>C. VCF-style: chr1-237687469-T-C. GRCh37 (hg19) VCF-style: chr1-237850769-T-C.
Other names: short protein forms L3011P.
Identifiers: ClinVar variation 4800098 (VCV004800098.1).

ClinVar aggregate classification (germline): Uncertain significance (1 of 4 stars; one submission).

Conditions:
Catecholaminergic polymorphic ventricular tachycardia 1. Also called: VENTRICULAR TACHYCARDIA, STRESS-INDUCED POLYMORPHIC 1; RYR2-Related Catecholaminergic Polymorphic Ventricular Tachycardia; VENTRICULAR TACHYCARDIA, CATECHOLAMINERGIC POLYMORPHIC, 1, WITH OR WITHOUT ATRIAL DYSFUNCTION AND/OR DILATED CARDIOMYOPATHY. Identifiers: Orphanet 3286, MedGen C1631597, MONDO:0011484, OMIM 604772.

Submission:

Labcorp Genetics (formerly Invitae), Labcorp
Classification: Uncertain significance for Catecholaminergic polymorphic ventricular tachycardia 1. Last evaluated: 2025-12-01. Review status: criteria provided, single submitter. Criteria: Invitae Variant Classification Sherloc (09022015). Collection method: clinical testing. Allele origin: germline.
Comment: This sequence change replaces leucine, which is neutral and non-polar, with proline, which is neutral and non-polar, at codon 3011 of the RYR2 protein (p.Leu3011Pro). This variant is not present in population databases (gnomAD no frequency). This variant has not been reported in the literature in individuals affected with RYR2-related conditions. Invitae Evidence Modeling of protein sequence and biophysical properties (such as structural, functional, and spatial information, amino acid conservation, physicochemical variation, residue mobility, and thermodynamic stability) indicates that this missense variant is expected to disrupt RYR2 protein function with a positive predictive value of 95%. In summary, the available evidence is currently insufficient to determine the role of this variant in disease. Therefore, it has been classified as a Variant of Uncertain Significance.